The following is an entry in ClinVar:

NM_024422.6(DSC2):c.182C>G (p.Ala61Gly)

Gene: DSC2 (desmocollin 2; minus strand). Cytogenetic location: 18q12.1.
Variant type: single nucleotide variant.
Coding change: c.182C>G on transcript NM_024422.6 (MANE Select); coding-DNA position 182, C replaced by G.
Protein change: p.Ala61Gly; replaces alanine 61 with glycine.
Molecular consequence: missense variant.
Genome position (GRCh38, 1-based): chr18:31,092,273, G>C on the plus strand (C>G on the coding strand, the complement: DSC2 is on the minus strand). VCF-style: chr18-31092273-G-C. GRCh37 (hg19) VCF-style: chr18-28672236-G-C.
Other names: c.182C>G, p.Ala61Gly (NM_004949.5); short protein forms A61G.
Identifiers: ClinVar variation 641604 (VCV000641604.10), dbSNP rs758707293, ClinGen allele CA033383.

ClinVar aggregate classification (germline): Uncertain significance. Review status: criteria provided, multiple submitters, no conflicts (2 of 4 stars). 2 submissions from 2 submitters: Uncertain significance (2). Last evaluated 2025-06-24.

Conditions:
Arrhythmogenic right ventricular dysplasia 11. Also called: Arrhythmogenic right ventricular dysplasia 11 with mild palmoplantar keratoderma and woolly hair; Arrhythmogenic Right Ventricular Dysplasia/Cardiomyopathy11; ARRHYTHMOGENIC RIGHT VENTRICULAR DYSPLASIA, FAMILIAL, 11. Identifiers: MedGen C1864850, MONDO:0012506, OMIM 610476.
Cardiovascular phenotype. Identifiers: MedGen CN230736.

Allele frequency attached by ClinVar (database versions not stated): ExAC 0.00001; gnomAD exomes below 0.00001; TOPMed 0.00001.
gnomAD v4.1: 1 of 1,613,646 alleles (0.000062%); highest among the groups gnomAD compares: Admixed American, 0.0017%; no homozygotes.

Submissions (2):

Labcorp Genetics (formerly Invitae), Labcorp
Classification: Uncertain significance for Arrhythmogenic right ventricular dysplasia 11. Last evaluated: 2025-06-24. Review status: criteria provided, single submitter. Criteria: Invitae Variant Classification Sherloc (09022015). Collection method: clinical testing. Allele origin: germline.
Comment: This sequence change replaces alanine, which is neutral and non-polar, with glycine, which is neutral and non-polar, at codon 61 of the DSC2 protein (p.Ala61Gly). This variant is present in population databases (rs758707293, gnomAD 0.003%). This variant has not been reported in the literature in individuals affected with DSC2-related conditions. ClinVar contains an entry for this variant (Variation ID: 641604). Invitae Evidence Modeling of protein sequence and biophysical properties (such as structural, functional, and spatial information, amino acid conservation, physicochemical variation, residue mobility, and thermodynamic stability) indicates that this missense variant is expected to disrupt DSC2 protein function with a positive predictive value of 80%. In summary, the available evidence is currently insufficient to determine the role of this variant in disease. Therefore, it has been classified as a Variant of Uncertain Significance.

Ambry Genetics
Classification: Uncertain significance for Cardiovascular phenotype. Last evaluated: 2020-12-17. Review status: criteria provided, single submitter. Criteria: Ambry Variant Classification Scheme 2023. Collection method: clinical testing. Allele origin: germline.
Comment: The p.A61G variant (also known as c.182C>G), located in coding exon 3 of the DSC2 gene, results from a C to G substitution at nucleotide position 182. The alanine at codon 61 is replaced by glycine, an amino acid with similar properties. This amino acid position is well conserved in available vertebrate species. In addition, this alteration is predicted to be tolerated by in silico analysis. Since supporting evidence is limited at this time, the clinical significance of this alteration remains unclear.